The following is an entry in ClinVar:

NM_000094.4(COL7A1):c.5743C>G (p.Arg1915Gly)

Gene: COL7A1 (collagen type VII alpha 1 chain; minus strand). Cytogenetic location: 3p21.31.
Variant type: single nucleotide variant.
Coding change: c.5743C>G on transcript NM_000094.4 (MANE Select); coding-DNA position 5743, C replaced by G.
Protein change: p.Arg1915Gly; replaces arginine 1915 with glycine.
Molecular consequence: missense variant.
Genome position (GRCh38, 1-based): chr3:48,576,429, G>C on the plus strand (C>G on the coding strand, the complement: COL7A1 is on the minus strand). VCF-style: chr3-48576429-G-C. GRCh37 (hg19) VCF-style: chr3-48613862-G-C.
Other names: short protein forms R1915G.
Identifiers: ClinVar variation 2079667 (VCV002079667.1), dbSNP rs762471976, ClinGen allele CA352666624.

ClinVar aggregate classification (germline): Uncertain significance (1 of 4 stars; one submission).

Submission:

Labcorp Genetics (formerly Invitae), Labcorp
Classification: Uncertain significance. Last evaluated: 2022-01-11. Review status: criteria provided, single submitter. Criteria: Invitae Variant Classification Sherloc (09022015). Collection method: clinical testing. Allele origin: germline.
Comment: This sequence change replaces arginine, which is basic and polar, with glycine, which is neutral and non-polar, at codon 1915 of the COL7A1 protein (p.Arg1915Gly). This variant is not present in population databases (gnomAD no frequency). This variant has not been reported in the literature in individuals affected with COL7A1-related conditions. Advanced modeling of protein sequence and biophysical properties (such as structural, functional, and spatial information, amino acid conservation, physicochemical variation, residue mobility, and thermodynamic stability) performed at Invitae indicates that this missense variant is expected to disrupt COL7A1 protein function. In summary, the available evidence is currently insufficient to determine the role of this variant in disease. Therefore, it has been classified as a Variant of Uncertain Significance.